The following is an entry in ClinVar:

NM_001206999.2(CIT):c.4021A>G (p.Thr1341Ala)

Gene: CIT (citron rho-interacting serine/threonine kinase; minus strand). Cytogenetic location: 12q24.23.
Variant type: single nucleotide variant.
Coding change: c.4021A>G on transcript NM_001206999.2 (MANE Select); coding-DNA position 4021, A replaced by G.
Protein change: p.Thr1341Ala; replaces threonine 1341 with alanine.
Molecular consequence: missense variant.
Genome position (GRCh38, 1-based): chr12:119,718,392, T>C on the plus strand (A>G on the coding strand, the complement: CIT is on the minus strand). VCF-style: chr12-119718392-T-C. GRCh37 (hg19) VCF-style: chr12-120156197-T-C.
Other names: c.3895A>G, p.Thr1299Ala (NM_007174.3); short protein forms T1299A, T1341A.
Identifiers: ClinVar variation 3145154 (VCV003145154.2), dbSNP rs947348570, ClinGen allele CA244360008.

ClinVar aggregate classification (germline): Uncertain significance. Review status: criteria provided, multiple submitters, no conflicts (2 of 4 stars). 2 submissions from 2 submitters: Uncertain significance (2). Last evaluated 2024-06-03.

Conditions:
Inborn genetic diseases. Identifiers: MedGen C0950123, MeSH D030342.

Allele frequency attached by ClinVar (database versions not stated): gnomAD exomes below 0.00001; gnomAD 0.00001; TOPMed 0.00001.
gnomAD v4.1: 3 of 1,612,914 alleles (0.00019%); highest among the groups gnomAD compares: Admixed American, 0.005%; no homozygotes.

Submissions (2):

Labcorp Genetics (formerly Invitae), Labcorp
Classification: Uncertain significance. Last evaluated: 2024-06-03. Review status: criteria provided, single submitter. Criteria: Invitae Variant Classification Sherloc (09022015). Collection method: clinical testing. Allele origin: germline.
Comment: This sequence change replaces threonine, which is neutral and polar, with alanine, which is neutral and non-polar, at codon 1341 of the CIT protein (p.Thr1341Ala). This variant is not present in population databases (gnomAD no frequency). This variant has not been reported in the literature in individuals affected with CIT-related conditions. Algorithms developed to predict the effect of missense changes on protein structure and function output the following: SIFT: "Not Available"; PolyPhen-2: "Benign"; Align-GVGD: "Not Available". The alanine amino acid residue is found in multiple mammalian species, which suggests that this missense change does not adversely affect protein function. In summary, the available evidence is currently insufficient to determine the role of this variant in disease. Therefore, it has been classified as a Variant of Uncertain Significance.

Ambry Genetics
Classification: Uncertain significance for Inborn genetic diseases. Last evaluated: 2024-01-02. Review status: criteria provided, single submitter. Criteria: Ambry Variant Classification Scheme 2023. Collection method: clinical testing. Allele origin: germline.